The following is an entry in ClinVar:

ClinVar aggregate classification (germline): Uncertain significance (1 of 4 stars; one submission).

Conditions:
Adams-Oliver syndrome 5 (AOS5). Identifiers: Orphanet 974, MedGen C4014970, MONDO:0014459, OMIM 616028.

gnomAD v4.1: 3 of 1,611,926 alleles (0.00019%); highest among the groups gnomAD compares: South Asian, 0.0022%; no homozygotes.

Submission:

Labcorp Genetics (formerly Invitae), Labcorp
Classification: Uncertain significance for Adams-Oliver syndrome 5. Last evaluated: 2024-06-30. Review status: criteria provided, single submitter. Criteria: Invitae Variant Classification Sherloc (09022015). Collection method: clinical testing. Allele origin: germline.
Comment: This sequence change replaces lysine, which is basic and polar, with arginine, which is basic and polar, at codon 631 of the NOTCH1 protein (p.Lys631Arg). This variant is not present in population databases (gnomAD no frequency). This variant has not been reported in the literature in individuals affected with NOTCH1-related conditions. Advanced modeling of protein sequence and biophysical properties (such as structural, functional, and spatial information, amino acid conservation, physicochemical variation, residue mobility, and thermodynamic stability) performed at Invitae indicates that this missense variant is not expected to disrupt NOTCH1 protein function with a negative predictive value of 80%. In summary, the available evidence is currently insufficient to determine the role of this variant in disease. Therefore, it has been classified as a Variant of Uncertain Significance.

NM_017617.5(NOTCH1):c.1892A>G (p.Lys631Arg)

Gene: NOTCH1 (notch receptor 1; minus strand). Cytogenetic location: 9q34.3.
Variant type: single nucleotide variant.
Coding change: c.1892A>G on transcript NM_017617.5 (MANE Select); coding-DNA position 1892, A replaced by G.
Protein change: p.Lys631Arg; replaces lysine 631 with arginine.
Molecular consequence: missense variant.
Genome position (GRCh38, 1-based): chr9:136,515,494, T>C on the plus strand (A>G on the coding strand, the complement: NOTCH1 is on the minus strand). VCF-style: chr9-136515494-T-C. GRCh37 (hg19) VCF-style: chr9-139409946-T-C.
Other names: short protein forms K631R.
Identifiers: ClinVar variation 2961066 (VCV002961066.3), dbSNP rs1286621388, ClinGen allele CA375559527.